The following is an entry in ClinVar:

NM_005908.4(MANBA):c.280C>A (p.Gln94Lys)

Gene: MANBA (mannosidase beta; minus strand). Cytogenetic location: 4q24.
Variant type: single nucleotide variant.
Coding change: c.280C>A on transcript NM_005908.4 (MANE Select); coding-DNA position 280, C replaced by A.
Protein change: p.Gln94Lys; replaces glutamine 94 with lysine.
Molecular consequence: missense variant.
Genome position (GRCh38, 1-based): chr4:102,723,960, G>T on the plus strand (C>A on the coding strand, the complement: MANBA is on the minus strand). VCF-style: chr4-102723960-G-T. GRCh37 (hg19) VCF-style: chr4-103645117-G-T.
Other names: short protein forms Q94K.
Identifiers: ClinVar variation 2172376 (VCV002172376.1), dbSNP rs575974795, ClinGen allele CA3027271.
Genomic context (GRCh38, chr4:102,723,960, plus strand): 5'-CTTCATTGAACAGGATTTTTGAAACCGTATCCACTCCCTCAAGAATCAAATTTACTTTTT[G>T]CCATTTGCTAAAAAAAAGAAAAGATTTTTAAAACAAGATGTGTAAAGCATTAACTTAGAT-3'
Protein context (NP_005899.3, residues 84-104): FKIPFEISKW[Gln94Lys]KVNLILEGVD

ClinVar aggregate classification (germline): Uncertain significance (1 of 4 stars; one submission).

Conditions:
Beta-D-mannosidosis (MANSB). Also called: Beta-Mannosidosis; MANNOSIDOSIS, BETA A, LYSOSOMAL; BETA-MANNOSIDASE DEFICIENCY; LYSOSOMAL BETA-MANNOSIDASE DEFICIENCY. Identifiers: Orphanet 118, MedGen C4048196, MONDO:0009562, OMIM 248510.

Allele frequency attached by ClinVar (database versions not stated): TOPMed 0.00018; 1000 Genomes Project 0.00020; gnomAD 0.00005; ExAC 0.00007; gnomAD exomes 0.00002; 1000 Genomes Project 30x 0.00031.
gnomAD v4.1: 38 of 1,594,232 alleles (0.0024%); highest among the groups gnomAD compares: East Asian, 0.078%; no homozygotes.

Submission:

Labcorp Genetics (formerly Invitae), Labcorp
Classification: Uncertain significance for Beta-D-mannosidosis. Last evaluated: 2022-08-13. Review status: criteria provided, single submitter. Criteria: Invitae Variant Classification Sherloc (09022015). Collection method: clinical testing. Allele origin: germline.
Comment: This sequence change replaces glutamine, which is neutral and polar, with lysine, which is basic and polar, at codon 94 of the MANBA protein (p.Gln94Lys). This variant is present in population databases (rs575974795, gnomAD 0.1%). This variant has not been reported in the literature in individuals affected with MANBA-related conditions. Algorithms developed to predict the effect of missense changes on protein structure and function (SIFT, PolyPhen-2, Align-GVGD) all suggest that this variant is likely to be tolerated. In summary, the available evidence is currently insufficient to determine the role of this variant in disease. Therefore, it has been classified as a Variant of Uncertain Significance.